The following is an entry in ClinVar:

ClinVar aggregate classification (germline): Uncertain significance (1 of 4 stars; one submission).

Conditions:
SEMA3D-related disorder. Also called: SEMA3D-related condition.

gnomAD v4.1: 35 of 1,611,678 alleles (0.0022%); highest among the groups gnomAD compares: African/African-American, 0.008%; no homozygotes.

Submission:

PreventionGenetics, part of Exact Sciences
Classification: Uncertain significance for SEMA3D-related condition. Last evaluated: 2026-02-10. Review status: criteria provided, single submitter. Criteria: ACMG Guidelines, 2015. Collection method: clinical testing. Allele origin: germline.
Comment: The SEMA3D c.1624G>A variant is predicted to result in the amino acid substitution p.Ala542Thr. To our knowledge, this variant has not been reported in the literature. This variant is reported in 0.016% of alleles in individuals of African descent in gnomAD. At this time, the clinical significance of this variant is uncertain due to the absence of conclusive functional and genetic evidence.

NM_001384900.1(SEMA3D):c.1624G>A (p.Ala542Thr)

Gene: SEMA3D (semaphorin 3D; minus strand). Cytogenetic location: 7q21.11.
Variant type: single nucleotide variant.
Coding change: c.1624G>A on transcript NM_001384900.1 (MANE Select); coding-DNA position 1624, G replaced by A.
Protein change: p.Ala542Thr; replaces alanine 542 with threonine.
Molecular consequence: missense variant.
Genome position (GRCh38, 1-based): chr7:85,015,138, C>T on the plus strand (G>A on the coding strand, the complement: SEMA3D is on the minus strand). VCF-style: chr7-85015138-C-T. GRCh37 (hg19) VCF-style: chr7-84644454-C-T.
Other names: c.1624G>A, p.Ala542Thr (NM_001384901.1, NM_001384902.1, NM_001384903.1 and 1 more transcripts); short protein forms A542T.
Identifiers: ClinVar variation 3358150 (VCV003358150.2).